The following is an entry in ClinVar:

ClinVar aggregate classification (germline): Uncertain significance. Review status: criteria provided, multiple submitters, no conflicts (2 of 4 stars). 2 submissions from 2 submitters: Uncertain significance (2). Last evaluated 2025-06-01.

gnomAD v4.1: 37 of 1,614,050 alleles (0.0023%); highest among the groups gnomAD compares: South Asian, 0.0033%; no homozygotes.

Submissions (2):

Labcorp Genetics (formerly Invitae), Labcorp
Classification: Uncertain significance. Last evaluated: 2025-06-01. Review status: criteria provided, single submitter. Criteria: Invitae Variant Classification Sherloc (09022015). Collection method: clinical testing. Allele origin: germline.
Comment: This sequence change replaces arginine, which is basic and polar, with histidine, which is basic and polar, at codon 424 of the DSCAML1 protein (p.Arg424His). This variant is present in population databases (rs745820564, gnomAD 0.004%). This variant has not been reported in the literature in individuals affected with DSCAML1-related conditions. ClinVar contains an entry for this variant (Variation ID: 3842575). An algorithm developed to predict the effect of missense changes on protein structure and function (PolyPhen-2) suggests that this variant is likely to be disruptive. In summary, the available evidence is currently insufficient to determine the role of this variant in disease. Therefore, it has been classified as a Variant of Uncertain Significance.

Ambry Genetics
Classification: Uncertain significance. Last evaluated: 2025-02-21. Review status: criteria provided, single submitter. Criteria: Ambry Variant Classification Scheme 2023. Collection method: clinical testing. Allele origin: germline.

NM_020693.4(DSCAML1):c.1091G>A (p.Arg364His)

Gene: DSCAML1 (DS cell adhesion molecule like 1; minus strand). Cytogenetic location: 11q23.3.
Variant type: single nucleotide variant.
Coding change: c.1091G>A on transcript NM_020693.4 (MANE Select); coding-DNA position 1091, G replaced by A.
Protein change: p.Arg364His; replaces arginine 364 with histidine.
Molecular consequence: missense variant.
Genome position (GRCh38, 1-based): chr11:117,521,252, C>T on the plus strand (G>A on the coding strand, the complement: DSCAML1 is on the minus strand). VCF-style: chr11-117521252-C-T. GRCh37 (hg19) VCF-style: chr11-117391967-C-T.
Other names: c.1091G>A, p.Arg364His (NM_001367904.1); c.683G>A, p.Arg228His (NM_001367905.1); short protein forms R364H, R228H.
Identifiers: ClinVar variation 3842575 (VCV003842575.2).
Genomic context (GRCh38, chr11:117,521,252, plus strand): 5'-TAGGCCCCGGAATGGCTCTTCTGGGCCGAGGTGATGAGCAGCGTCTCGTTGCTGAGCCCG[C>T]GGATGGAGATGGCCTCGTCAGGCAGCACCAGCTCCGTGTTGCGATACCAGCGGATGGTGA-3'
Protein context (NP_065744.3, residues 354-374): LVLPDEAISI[Arg364His]GLSNETLLIT